The following is an entry in ClinVar:

NM_001927.4(DES):c.371A>C (p.Glu124Ala)

Gene: DES (desmin; plus strand). Cytogenetic location: 2q35.
Variant type: single nucleotide variant.
Coding change: c.371A>C on transcript NM_001927.4 (MANE Select); coding-DNA position 371, A replaced by C.
Protein change: p.Glu124Ala; replaces glutamic acid 124 with alanine.
Molecular consequence: missense variant.
Genome position (GRCh38, 1-based): chr2:219,418,833, A>C. VCF-style: chr2-219418833-A-C. GRCh37 (hg19) VCF-style: chr2-220283555-A-C.
Other names: c.371A>C (LRG_380t1); short protein forms E124A.
Identifiers: ClinVar variation 664221 (VCV000664221.8), dbSNP rs564121737, ClinGen allele CA350685637.

ClinVar aggregate classification (germline): Uncertain significance (1 of 4 stars; one submission).

Conditions:
Desmin-related myofibrillar myopathy (MFM1). Also called: Desminopathy; Desmin related myopathy (former name); Desmin storage myopathy (former name); Myofibrillar myopathy 1; MYOFIBRILLAR MYOPATHY WITH ARRHYTHMOGENIC RIGHT VENTRICULAR CARDIOMYOPATHY; DESMIN-RELATED MYOPATHY WITH ARRHYTHMOGENIC RIGHT VENTRICULAR CARDIOMYOPATHY. Identifiers: Orphanet 363543, Orphanet 98909, MedGen C1832370, MONDO:0011076, OMIM 601419.

Submission:

Labcorp Genetics (formerly Invitae), Labcorp
Classification: Uncertain significance for Desmin-related myofibrillar myopathy. Last evaluated: 2022-07-12. Review status: criteria provided, single submitter. Criteria: Invitae Variant Classification Sherloc (09022015). Collection method: clinical testing. Allele origin: germline.
Comment: This sequence change replaces glutamic acid, which is acidic and polar, with alanine, which is neutral and non-polar, at codon 124 of the DES protein (p.Glu124Ala). This variant is not present in population databases (gnomAD no frequency). This variant has not been reported in the literature in individuals affected with DES-related conditions. ClinVar contains an entry for this variant (Variation ID: 664221). Algorithms developed to predict the effect of missense changes on protein structure and function are either unavailable or do not agree on the potential impact of this missense change (SIFT: "Deleterious"; PolyPhen-2: "Probably Damaging"; Align-GVGD: "Class C0"). In summary, the available evidence is currently insufficient to determine the role of this variant in disease. Therefore, it has been classified as a Variant of Uncertain Significance.